The following is an entry in ClinVar:

NM_001376.5(DYNC1H1):c.6508T>C (p.Tyr2170His)

Gene: DYNC1H1 (dynein cytoplasmic 1 heavy chain 1; plus strand). Cytogenetic location: 14q32.31.
Variant type: single nucleotide variant.
Coding change: c.6508T>C on transcript NM_001376.5 (MANE Select); coding-DNA position 6508, T replaced by C.
Protein change: p.Tyr2170His; replaces tyrosine 2170 with histidine.
Molecular consequence: missense variant.
Genome position (GRCh38, 1-based): chr14:102,010,842, T>C. VCF-style: chr14-102010842-T-C. GRCh37 (hg19) VCF-style: chr14-102477179-T-C.
Other names: short protein forms Y2170H.
Identifiers: ClinVar variation 3086438 (VCV003086438.1), dbSNP rs2503753717, ClinGen allele CA391055697.

ClinVar aggregate classification (germline): Uncertain significance (1 of 4 stars; one submission).

Conditions:
Inborn genetic diseases. Identifiers: MedGen C0950123, MeSH D030342.

Submission:

Ambry Genetics
Classification: Uncertain significance for Inborn genetic diseases. Last evaluated: 2024-02-13. Review status: criteria provided, single submitter. Criteria: Ambry Variant Classification Scheme 2023. Collection method: clinical testing. Allele origin: germline.
Comment: The c.6508T>C (p.Y2170H) alteration is located in exon 32 (coding exon 32) of the DYNC1H1 gene. This alteration results from a T to C substitution at nucleotide position 6508, causing the tyrosine (Y) at amino acid position 2170 to be replaced by a histidine (H). This variant was not reported in population-based cohorts in the Genome Aggregation Database (gnomAD). This amino acid position is highly conserved in available vertebrate species. This missense alteration is located in a region that has a low rate of benign missense variation (Lek, 2016; Firth, 2009). The in silico prediction for this alteration is inconclusive. Based on insufficient or conflicting evidence, the clinical significance of this alteration remains unclear.